The following is an entry in ClinVar:

NM_000548.5(TSC2):c.84C>G (p.Pro28=)

Gene: TSC2 (TSC complex subunit 2; plus strand). Cytogenetic location: 16p13.3.
Variant type: single nucleotide variant.
Coding change: c.84C>G on transcript NM_000548.5 (MANE Select); coding-DNA position 84, C replaced by G.
Protein change: p.Pro28=; no amino-acid change (proline 28 retained).
Molecular consequence: synonymous variant. On other transcripts: 5 prime UTR variant (19), non-coding transcript variant (5), intron variant (6).
Genome position (GRCh38, 1-based): chr16:2,048,699, C>G. VCF-style: chr16-2048699-C-G. GRCh37 (hg19) VCF-style: chr16-2098700-C-G.
Other names: c.84C>G, p.Pro28= (NM_001370404.1, NM_001318827.2, NM_001077183.3 and 13 more transcripts); c.-143C>G (NM_001318831.2, NM_001406682.1, NM_001406684.1 and 2 more transcripts); c.117C>G, p.Pro39= (NM_001318832.2); c.-733C>G (NM_001406680.1, NM_001406683.1, NM_001406687.1); c.-362C>G (NM_001406681.1); c.-1348C>G (NM_001406689.1, NM_001406690.1, NM_001406691.1 and 2 more transcripts); c.-1654C>G (NM_001406693.1); c.-1229C>G (NM_001406694.1, NM_001406695.1); and 4 more.
Identifiers: ClinVar variation 4071313 (VCV004071313.1).
Genomic context (GRCh38, chr16:2,048,699, plus strand): 5'-TTCAGGCTTGAAGGAGAAGTTTAAGATTCTGTTGGGACTGGGAACACCGAGGCCAAATCC[C>G]AGGTCTGCAGAGGGTAAACAGACGGAGTTTATCATCACCGCGGAAATACTGAGAGTGAGT-3'
Protein context (NP_000539.2, residues 18-38): LLGLGTPRPN[Pro28=]RSAEGKQTEF

ClinVar aggregate classification (germline): Benign (1 of 4 stars; one submission).

Conditions:
Tuberous sclerosis 2 (TSC2). Identifiers: Orphanet 805, MedGen C1860707, MONDO:0013199, OMIM 613254.

Submission:

Myriad Genetics, Inc.
Classification: Benign for Tuberous sclerosis 2. Last evaluated: 2025-04-30. Review status: criteria provided, single submitter. Criteria: Myriad Autosomal Dominant, Autosomal Recessive and X-Linked Classification Criteria (2023). Collection method: clinical testing. Allele origin: unknown.
Comment: This variant is considered benign. This variant is a silent/synonymous amino acid change and it is not expected to impact splicing.